The following is an entry in ClinVar:

ClinVar aggregate classification (germline): Uncertain significance. Review status: criteria provided, multiple submitters, no conflicts (2 of 4 stars). 2 submissions from 2 submitters: Uncertain significance (2). Last evaluated 2025-11-24.

Conditions:
Inborn genetic diseases. Identifiers: MedGen C0950123, MeSH D030342.
Hennekam lymphangiectasia-lymphedema syndrome 2 (HKLLS2). Identifiers: Orphanet 2136, MedGen C4014939, MONDO:0014454, OMIM 616006.
Van Maldergem syndrome 2 (VMLDS2). Identifiers: Orphanet 314679, MedGen C3809875, MONDO:0014242, OMIM 615546.

Allele frequency attached by ClinVar (database versions not stated): gnomAD exomes 0.00001 and 0.00002; ExAC 0.00003; TOPMed below 0.00001.
gnomAD v4.1: 9 of 1,614,112 alleles (0.00056%); highest among the groups gnomAD compares: Non-Finnish European, 0.00076%; no homozygotes.

Submissions (2):

Ambry Genetics
Classification: Uncertain significance for Inborn genetic diseases. Last evaluated: 2025-11-24. Review status: criteria provided, single submitter. Criteria: Ambry Variant Classification Scheme 2023. Collection method: clinical testing. Allele origin: germline.

Labcorp Genetics (formerly Invitae), Labcorp
Classification: Uncertain significance. Last evaluated: 2021-08-31. Review status: criteria provided, single submitter. Criteria: Invitae Variant Classification Sherloc (09022015). Collection method: clinical testing. Allele origin: germline.
Comment: This sequence change replaces isoleucine with leucine at codon 2193 of the FAT4 protein (p.Ile2193Leu). The isoleucine residue is highly conserved and there is a small physicochemical difference between isoleucine and leucine. This variant is present in population databases (rs755984729, ExAC 0.006%). This variant has not been reported in the literature in individuals affected with FAT4-related conditions. Advanced modeling of protein sequence and biophysical properties (such as structural, functional, and spatial information, amino acid conservation, physicochemical variation, residue mobility, and thermodynamic stability) performed at Invitae indicates that this missense variant is not expected to disrupt FAT4 protein function. In summary, the available evidence is currently insufficient to determine the role of this variant in disease. Therefore, it has been classified as a Variant of Uncertain Significance.

NM_001291303.3(FAT4):c.6577A>C (p.Ile2193Leu)

Gene: FAT4 (FAT atypical cadherin 4; plus strand). Cytogenetic location: 4q28.1.
Variant type: single nucleotide variant.
Coding change: c.6577A>C on transcript NM_001291303.3 (MANE Select); coding-DNA position 6577, A replaced by C.
Protein change: p.Ile2193Leu; replaces isoleucine 2193 with leucine.
Molecular consequence: missense variant.
Genome position (GRCh38, 1-based): chr4:125,415,540, A>C. VCF-style: chr4-125415540-A-C. GRCh37 (hg19) VCF-style: chr4-126336695-A-C.
Other names: c.6577A>C (NM_024582.4); c.6577A>C, p.Ile2193Leu (NM_001291285.3, NM_024582.6); short protein forms I2193L.
Identifiers: ClinVar variation 1398376 (VCV001398376.7), dbSNP rs755984729, ClinGen allele CA3072940.
Genomic context (GRCh38, chr4:125,415,540, plus strand): 5'-ATAATACAAGTGTTCGCAGCAGATGGAGATGAAGGCACAAATGGACAGGTTCGCTATGGC[A>C]TTGTTAATGGTAATACCAATCAGGAATTTCGGATAGACTCTGTCACAGGTGCCATCACTG-3'
Protein context (NP_001278232.1, residues 2183-2203): EGTNGQVRYG[Ile2193Leu]VNGNTNQEFR